The following is an entry in ClinVar:

NM_004958.4(MTOR):c.4348T>G (p.Tyr1450Asp)

Gene: MTOR (mechanistic target of rapamycin kinase; minus strand). Cytogenetic location: 1p36.22.
Variant type: single nucleotide variant.
Coding change: c.4348T>G on transcript NM_004958.4 (MANE Select); coding-DNA position 4348, T replaced by G.
Protein change: p.Tyr1450Asp; replaces tyrosine 1450 with aspartic acid.
Molecular consequence: missense variant.
Genome position (GRCh38, 1-based): chr1:11,157,273, A>C on the plus strand (T>G on the coding strand, the complement: MTOR is on the minus strand). VCF-style: chr1-11157273-A-C. GRCh37 (hg19) VCF-style: chr1-11217330-A-C.
Other names: c.4348T>G, p.Tyr1450Asp (NM_001386500.1); c.3100T>G, p.Tyr1034Asp (NM_001386501.1); short protein forms Y1034D, Y1450D.
Identifiers: ClinVar variation 3774491 (VCV003774491.1).

ClinVar aggregate classification (germline): Pathogenic (1 of 4 stars; one submission).

Conditions:
Isolated focal cortical dysplasia type II (FCORD2). Also called: Focal cortical dysplasia type II; CORTICAL DYSPLASIA OF TAYLOR. Identifiers: Orphanet 268994, MedGen C1846385, MONDO:0011818, OMIM 607341, HP:0032051.

Submission:

Clinical Genomics Laboratory, Washington University in St. Louis
Classification: Pathogenic for Isolated focal cortical dysplasia type II. Last evaluated: 2024-07-02. Review status: criteria provided, single submitter. Criteria: Leon-Quintero et al. (Clin Genet. 2025). Collection method: clinical testing. Allele origin: somatic. Affected: yes.
Comment: The MTOR c.4348T>G (p.Tyr1450Asp) variant was identified at an allelic fraction consistent with somatic origin. This variant has been reported in several individuals with brain malformations (Mayo, S et al., PMID: 35563270; Lim JS et al., PMID: 25799227; Fujita A et al., PMID: 36864519; Marsan E et al., PMID: 29359340; Koh HY et al., PMID: 30352490) and has been reported as a somatic variant in multiple cancer cases in the cancer database COSMIC (COSMIC ID: COSV63868148). It is absent from the general population (gnomAD database v4.1.0), indicating it is not a common variant. The MTOR c.4348T>G (p.Tyr1450Asp) variant resides within the FAT domain of MTOR that is defined as a critical functional domain (Xu J et al., PMID: 27482884; Murugan AK et al., PMID: 23322780; Hardt M et al., PMID: 21210909; Dimartino P et al., PMID: 32772316). Computational predictors indicate that the variant is damaging, evidence that correlates with impact to MTOR function. The MTOR gene is defined by the ClinGen's Brain Malformations expert panel as a gene that has a low rate of benign missense variation and where pathogenic missense variants are a common mechanism of disease (Lai A et al., PMID: 35997716). Based on available information and an internally developed protocol informed by the ACMG/AMP guidelines for variant interpretation and gene-specific practices from the ClinGen Criteria Specification Registry (Leon-Quintero FZ et al., PMID: 39434542), the MTOR c.4348T>G (p.Tyr1450Asp) variant is classified as pathogenic.